The following is an entry in ClinVar:

ClinVar aggregate classification (germline): Uncertain significance. Review status: criteria provided, multiple submitters, no conflicts (2 of 4 stars). 3 submissions from 3 submitters: Uncertain significance (3). Last evaluated 2023-04-11.

Conditions:
Developmental and epileptic encephalopathy, 18 (DEE18). Also called: Early infantile epileptic encephalopathy 18. Identifiers: Orphanet 369894, MedGen C3809624, MONDO:0014201, OMIM 615476.
Inborn genetic diseases. Identifiers: MedGen C0950123, MeSH D030342.

Allele frequency attached by ClinVar (database versions not stated): ExAC 0.00002; TOPMed 0.00002; gnomAD 0.00003; 1000 Genomes Project 0.00020; 1000 Genomes Project 30x 0.00031.
gnomAD v4.1: 10 of 1,614,076 alleles (0.00062%); highest among the groups gnomAD compares: African/African-American, 0.011%; no homozygotes.

Submissions (3):

Genome-Nilou Lab
Classification: Uncertain significance for Developmental and epileptic encephalopathy, 18. Last evaluated: 2023-04-11. Review status: criteria provided, single submitter. Criteria: ACMG Guidelines, 2015. Collection method: clinical testing. Allele origin: germline. Affected: no.

Labcorp Genetics (formerly Invitae), Labcorp
Classification: Uncertain significance. Last evaluated: 2021-08-30. Review status: criteria provided, single submitter. Criteria: Invitae Variant Classification Sherloc (09022015). Collection method: clinical testing. Allele origin: germline.
Comment: This sequence change replaces proline with arginine at codon 1545 of the SZT2 protein (p.Pro1545Arg). The proline residue is moderately conserved and there is a moderate physicochemical difference between proline and arginine. This variant is present in population databases (rs568068900, ExAC 0.02%). This variant has not been reported in the literature in individuals affected with SZT2-related conditions. Algorithms developed to predict the effect of missense changes on protein structure and function are either unavailable or do not agree on the potential impact of this missense change (SIFT: "Tolerated"; PolyPhen-2: "Probably Damaging"; Align-GVGD: "Class C0"). In summary, the available evidence is currently insufficient to determine the role of this variant in disease. Therefore, it has been classified as a Variant of Uncertain Significance.

Ambry Genetics
Classification: Uncertain significance for Inborn genetic diseases. Last evaluated: 2018-05-14. Review status: criteria provided, single submitter. Criteria: Ambry Variant Classification Scheme 2023. Collection method: clinical testing. Allele origin: germline.
Comment: The p.P1545R variant (also known as c.4634C>G), located in coding exon 32 of the SZT2 gene, results from a C to G substitution at nucleotide position 4634. The proline at codon 1545 is replaced by arginine, an amino acid with dissimilar properties. This amino acid position is not well conserved in available vertebrate species. In addition, this alteration is predicted to be tolerated by in silico analysis. Since supporting evidence is limited at this time, the clinical significance of this alteration remains unclear.

NM_001365999.1(SZT2):c.4805C>G (p.Pro1602Arg)

Gene: SZT2 (SZT2 subunit of KICSTOR complex; plus strand). Cytogenetic location: 1p34.2.
Variant type: single nucleotide variant.
Coding change: c.4805C>G on transcript NM_001365999.1 (MANE Select); coding-DNA position 4805, C replaced by G.
Protein change: p.Pro1602Arg; replaces proline 1602 with arginine.
Molecular consequence: missense variant.
Genome position (GRCh38, 1-based): chr1:43,430,979, C>G. VCF-style: chr1-43430979-C-G. GRCh37 (hg19) VCF-style: chr1-43896650-C-G.
Other names: c.4634C>G, p.Pro1545Arg (NM_015284.4); short protein forms P1545R, P1602R.
Identifiers: ClinVar variation 1004303 (VCV001004303.8), dbSNP rs568068900, ClinGen allele CA809381.